The following is an entry in ClinVar:

ClinVar aggregate classification (germline): Pathogenic (1 of 4 stars; one submission).

Submission:

Labcorp Genetics (formerly Invitae), Labcorp
Classification: Pathogenic. Last evaluated: 2023-03-02. Review status: criteria provided, single submitter. Criteria: Invitae Variant Classification Sherloc (09022015). Collection method: clinical testing. Allele origin: germline.
Comment: This variant is a gross deletion of the genomic region encompassing exon(s) 12-14 of the CDH23 gene. This variant would be expected to be in-frame, preserving the integrity of the reading frame. This variant has not been reported in the literature in individuals affected with CDH23-related conditions. This variant disrupts a region of the CDH23 protein in which other variant(s) (p.Ser384Arg) have been determined to be pathogenic (PMID: 27460420, 32279305, 34997822). This suggests that this is a clinically significant region of the protein, and that variants that disrupt it are likely to be disease-causing. For these reasons, this variant has been classified as Pathogenic.

Literature cited by the submitters: PubMed 27460420; PubMed 32279305; PubMed 34997822.

NC_000010.10:g.(?_73403598)_(73406394_?)del

Gene: CDH23 (cadherin related 23; plus strand). Cytogenetic location: 10q22.1.
Variant type: Deletion.
Identifiers: ClinVar variation 1513976 (VCV001513976.4).